The following is an entry in ClinVar:

NM_017570.5(OPLAH):c.2654A>G (p.Lys885Arg)

Gene: OPLAH (5-oxoprolinase, ATP-hydrolysing; minus strand). Cytogenetic location: 8q24.3.
Variant type: single nucleotide variant.
Coding change: c.2654A>G on transcript NM_017570.5 (MANE Select); coding-DNA position 2654, A replaced by G.
Protein change: p.Lys885Arg; replaces lysine 885 with arginine.
Molecular consequence: missense variant.
Genome position (GRCh38, 1-based): chr8:144,054,593, T>C on the plus strand (A>G on the coding strand, the complement: OPLAH is on the minus strand). VCF-style: chr8-144054593-T-C. GRCh37 (hg19) VCF-style: chr8-145109496-T-C.
Other names: c.2654A>G (NM_017570.3); short protein forms K885R.
Identifiers: ClinVar variation 963409 (VCV000963409.5), dbSNP rs374235442, ClinGen allele CA4931388.

ClinVar aggregate classification (germline): Uncertain significance. Review status: criteria provided, multiple submitters, no conflicts (2 of 4 stars). 3 submissions from 3 submitters: Uncertain significance (3). Last evaluated 2025-08-28.

Conditions:
5-Oxoprolinase deficiency (OPLAHD). Also called: 5-OXOPROLINURIA DUE TO 5-OXOPROLINASE DEFICIENCY. Identifiers: Orphanet 33572, MedGen C0268525, MONDO:0009825, OMIM 260005, HP:0040142.

Allele frequency attached by ClinVar (database versions not stated): gnomAD 0.00001 and 0.00003; gnomAD exomes 0.00002; TOPMed 0.00003; ExAC 0.00004; ESP Exome Variant Server 0.00016; 1000 Genomes Project 0.00060; 1000 Genomes Project 30x 0.00062.
gnomAD v4.1: 11 of 1,602,150 alleles (0.00069%); highest among the groups gnomAD compares: East Asian, 0.0067%; no homozygotes.

Submissions (3):

Ambry Genetics
Classification: Uncertain significance. Last evaluated: 2025-08-28. Review status: criteria provided, single submitter. Criteria: Ambry Variant Classification Scheme 2023. Collection method: clinical testing. Allele origin: germline.

Fulgent Genetics
Classification: Uncertain significance for 5-Oxoprolinase deficiency. Last evaluated: 2022-03-30. Review status: criteria provided, single submitter. Criteria: ACMG Guidelines, 2015. Collection method: clinical testing. Allele origin: unknown.

Labcorp Genetics (formerly Invitae), Labcorp
Classification: Uncertain significance for 5-Oxoprolinase deficiency. Last evaluated: 2019-07-29. Review status: criteria provided, single submitter. Criteria: Invitae Variant Classification Sherloc (09022015). Collection method: clinical testing. Allele origin: germline.
Comment: In summary, the available evidence is currently insufficient to determine the role of this variant in disease. Therefore, it has been classified as a Variant of Uncertain Significance. Algorithms developed to predict the effect of missense changes on protein structure and function are either unavailable or do not agree on the potential impact of this missense change (SIFT: "Tolerated"; PolyPhen-2: "Not available"; Align-GVGD: "Class C0"). This variant has not been reported in the literature in individuals with OPLAH-related conditions. This variant is present in population databases (rs374235442, ExAC 0.03%). This sequence change replaces lysine with arginine at codon 885 of the OPLAH protein (p.Lys885Arg). The lysine residue is highly conserved and there is a small physicochemical difference between lysine and arginine.